The following is an entry in ClinVar:

ClinVar aggregate classification (germline): Conflicting classifications of pathogenicity. Review status: criteria provided, conflicting classifications (1 of 4 stars). 4 submissions from 4 submitters: Uncertain significance (2); Benign (1); Likely benign (1). Last evaluated 2026-01-13.

Conditions:
Myopathy, congenital, with structured cores and z-line abnormalities. Also called: MULTIPLE STRUCTURED CORE DISEASE; CONGENITAL MYOPATHY 8. Identifiers: MedGen C5231445, MONDO:0032852, OMIM 618654.
Myopathy, distal, 6, adult-onset, autosomal dominant. Identifiers: MedGen C5203349, MONDO:0032853, OMIM 618655.
Dilated cardiomyopathy 1AA (CMD1AA). Also called: Cardiomyopathy, dilated, 1AA, with or without LVNC; CARDIOMYOPATHY, DILATED, 1AA, WITH OR WITHOUT LEFT VENTRICULAR NONCOMPACTION; CARDIOMYOPATHY, FAMILIAL HYPERTROPHIC, 23, WITH OR WITHOUT LEFT VENTRICULAR NONCOMPACTION. Identifiers: Orphanet 154, MedGen C2677338, MONDO:0012808, OMIM 612158.
Primary familial hypertrophic cardiomyopathy (HCM). Identifiers: Orphanet 99739, MedGen C0949658, MeSH D024741, MONDO:0024573. Inheritance: Various modes of inheritance.
Cardiovascular phenotype. Identifiers: MedGen CN230736.

Allele frequency attached by ClinVar (database versions not stated): gnomAD exomes 0.00002 and 0.00004; gnomAD 0.00003; TOPMed 0.00003; ExAC 0.00007.
gnomAD v4.1: 31 of 1,614,094 alleles (0.0019%); highest among the groups gnomAD compares: East Asian, 0.022%; no homozygotes.

Submissions (4):

Labcorp Genetics (formerly Invitae), Labcorp
Classification: Benign for Primary familial hypertrophic cardiomyopathy; Dilated cardiomyopathy 1AA. Last evaluated: 2026-01-13. Review status: criteria provided, single submitter. Criteria: Invitae Variant Classification Sherloc (09022015). Collection method: clinical testing. Allele origin: germline.

Ambry Genetics
Classification: Likely benign for Cardiovascular phenotype. Last evaluated: 2024-03-21. Review status: criteria provided, single submitter. Criteria: Ambry Variant Classification Scheme 2023. Collection method: clinical testing. Allele origin: germline.

Fulgent Genetics
Classification: Uncertain significance for Dilated cardiomyopathy 1AA; Myopathy, congenital, with structured cores and z-line abnormalities; Myopathy, distal, 6, adult-onset, autosomal dominant. Last evaluated: 2021-10-07. Review status: criteria provided, single submitter. Criteria: ACMG Guidelines, 2015. Collection method: clinical testing. Allele origin: unknown.

GeneDx
Classification: Uncertain significance. Last evaluated: 2016-03-17. Review status: criteria provided, single submitter. Criteria: GeneDx Variant Classification (06012015). Collection method: clinical testing. Allele origin: germline. Affected: yes.
Comment: The A432V variant in the ACTN2 gene has not been reported previously as a pathogenic variant, nor as a benign variant, to our knowledge. The A432V variant was not observed in approximately 6500 individuals of European and African American ancestry in the NHLBI Exome Sequencing Project, indicating it is not a common benign variant in these populations. The A432V variant is a conservative amino acid substitution, which occurs within the Spectrin 2 repeat at a position where amino acids with similar properties to Alanine are tolerated across species. In silico analysis is inconsistent in its predictions as to whether or not the variant is damaging to the protein structure/function.

Literature cited by the submitters: PubMed 31983221 (cited by Ambry Genetics).

NM_001103.4(ACTN2):c.1295C>T (p.Ala432Val)

Gene: ACTN2 (actinin alpha 2; plus strand). Cytogenetic location: 1q43.
Variant type: single nucleotide variant.
Coding change: c.1295C>T on transcript NM_001103.4 (MANE Select); coding-DNA position 1295, C replaced by T.
Protein change: p.Ala432Val; replaces alanine 432 with valine.
Molecular consequence: missense variant.
Genome position (GRCh38, 1-based): chr1:236,744,665, C>T. VCF-style: chr1-236744665-C-T. GRCh37 (hg19) VCF-style: chr1-236907965-C-T.
Other names: c.1295C>T, p.Ala432Val (NM_001278343.2); c.671C>T, p.Ala224Val (NM_001278344.2); short protein forms A432V, A224V.
Identifiers: ClinVar variation 384968 (VCV000384968.16), dbSNP rs767291633, ClinGen allele CA1473113.